The following is an entry in ClinVar:

ClinVar aggregate classification (germline): Pathogenic. Review status: reviewed by expert panel (3 of 4 stars). 3 submissions from 3 submitters: Pathogenic (1). 2 of the submissions do not count toward it. Last evaluated 2017-12-15.

Conditions:
Breast-ovarian cancer, familial, susceptibility to, 1 (BROVCA1). Also called: BRCA1 Hereditary Breast and Ovarian Cancer; OVARIAN CANCER, SUSCEPTIBILITY TO. Identifiers: Orphanet 145, MedGen C2676676, MONDO:0011450, OMIM 604370. Disease mechanism: loss of function.

Submissions (3):

Evidence-based Network for the Interpretation of Germline Mutant Alleles (ENIGMA)
Classification: Pathogenic for Breast-ovarian cancer, familial, susceptibility to, 1. Last evaluated: 2017-12-15. Review status: reviewed by expert panel. Criteria: ENIGMA BRCA1/2 Classification Criteria (2017-06-29). Collection method: curation. Allele origin: germline. Study: ENIGMA.
Comment: Variant allele predicted to encode a truncated non-functional protein.

Quest Diagnostics Nichols Institute San Juan Capistrano
Classification: Pathogenic. Last evaluated: 2018-06-26. Review status: criteria provided, single submitter. Criteria: Quest Diagnostics criteria. Collection method: clinical testing. Allele origin: germline. Not counted in ClinVar's aggregate classification.

ARUP Laboratories, Molecular Genetics and Genomics, ARUP Laboratories
Classification: Pathogenic. Last evaluated: 2016-10-15. Review status: criteria provided, single submitter. Criteria: ARUP Molecular Germline Variant Investigation Process. Collection method: clinical testing. Allele origin: germline. Not counted in ClinVar's aggregate classification.

NM_007294.4(BRCA1):c.1110del (p.Pro371fs)

Gene: BRCA1 (BRCA1 DNA repair associated; minus strand). Cytogenetic location: 17q21.31.
Variant type: Deletion.
Coding change: c.1110del on transcript NM_007294.4 (MANE Select); coding-DNA position 1110, one base deleted (T; older notation c.1110delT).
Protein change: p.Pro371fs; shifts the reading frame from proline 371.
Molecular consequence: frameshift variant. On other transcripts: intron variant (137).
Genome position (GRCh38, 1-based): chr17:43,094,421, A deleted on the plus strand (T on the coding strand, the reverse complement: BRCA1 is on the minus strand); the first of 2 consecutive A bases (chr17:43,094,421-43,094,422); deleting either gives the same sequence. VCF-style (leftmost placement, unchanged base first): chr17-43094420-GA-G. GRCh37 (hg19) VCF-style: chr17-41246437-GA-G.
Other names: c.787+323delT (NM_007299.3); c.1110delT (NM_007294.3); c.897del, p.Pro300fs (NM_001407571.1, NM_001407853.1, NM_001407894.1 and 9 more transcripts); c.1110del, p.Pro371fs (NM_001407581.1, NM_001407582.1, NM_001407583.1 and 30 more transcripts); c.1107del, p.Pro370fs (NM_001407587.1, NM_001407590.1, NM_001407591.1 and 22 more transcripts); c.1101del, p.Pro368fs (NM_001407646.1, NM_001407647.1); c.987del, p.Pro330fs (NM_001407648.1, NM_001407664.1, NM_001407665.1 and 19 more transcripts); c.984del, p.Pro329fs (NM_001407649.1, NM_001407670.1, NM_001407671.1 and 11 more transcripts); and 42 more; short protein forms P324fs, P371fs, P243fs, P304fs, P370fs, P203fs, P260fs, P282fs.
Identifiers: ClinVar variation 439442 (VCV000439442.9), dbSNP rs1555592474, ClinGen allele CA645509519.